The following is an entry in ClinVar:

ClinVar aggregate classification (germline): Uncertain significance (1 of 4 stars; one submission).

Conditions:
Wilms tumor 1 (WT1). Also called: Wilms tumor, somatic. Identifiers: Orphanet 654, MedGen CN033288, MONDO:0008679, OMIM 194070.

Submission:

Labcorp Genetics (formerly Invitae), Labcorp
Classification: Uncertain significance for Wilms tumor 1. Last evaluated: 2022-07-19. Review status: criteria provided, single submitter. Criteria: Invitae Variant Classification Sherloc (09022015). Collection method: clinical testing. Allele origin: germline.
Comment: This variant has not been reported in the literature in individuals affected with GPC3-related conditions. In summary, the available evidence is currently insufficient to determine the role of this variant in disease. Therefore, it has been classified as a Variant of Uncertain Significance. Algorithms developed to predict the effect of missense changes on protein structure and function are either unavailable or do not agree on the potential impact of this missense change (SIFT: "Deleterious"; PolyPhen-2: "Probably Damaging"; Align-GVGD: "Class C0"). ClinVar contains an entry for this variant (Variation ID: 1377400). This variant is not present in population databases (gnomAD no frequency). This sequence change replaces lysine, which is basic and polar, with asparagine, which is neutral and polar, at codon 340 of the GPC3 protein (p.Lys340Asn).

NM_004484.4(GPC3):c.1020G>C (p.Lys340Asn)

Gene: GPC3 (glypican 3; minus strand). Cytogenetic location: Xq26.2.
Variant type: single nucleotide variant.
Coding change: c.1020G>C on transcript NM_004484.4 (MANE Select); coding-DNA position 1020, G replaced by C.
Protein change: p.Lys340Asn; replaces lysine 340 with asparagine.
Molecular consequence: missense variant.
Genome position (GRCh38, 1-based): chrX:133,753,494, C>G on the plus strand (G>C on the coding strand, the complement: GPC3 is on the minus strand). VCF-style: chrX-133753494-C-G. GRCh37 (hg19) VCF-style: chrX-132887521-C-G.
Other names: c.1020G>C, p.Lys340Asn (NM_001164617.2); c.972G>C, p.Lys324Asn (NM_001164618.2); c.858G>C, p.Lys286Asn (NM_001164619.2); short protein forms K286N, K340N, K324N.
Identifiers: ClinVar variation 1377400 (VCV001377400.8), dbSNP rs2124479719, ClinGen allele CA414705027.